The following is an entry in ClinVar:

ClinVar aggregate classification (germline): Uncertain significance. Review status: criteria provided, multiple submitters, no conflicts (2 of 4 stars). 3 submissions from 3 submitters: Uncertain significance (3). Last evaluated 2025-03-20.

Conditions:
SLC35A2-congenital disorder of glycosylation. Also called: DEVELOPMENTAL AND EPILEPTIC ENCEPHALOPATHY 22; SLC35A2-CDG; CONGENITAL DISORDER OF GLYCOSYLATION, TYPE IIm, SOMATIC MOSAIC; CONGENITAL DISORDER OF GLYCOSYLATION, TYPE IIm; CDG IIm; EPILEPTIC ENCEPHALOPATHY, EARLY INFANTILE, 22. Identifiers: Orphanet 356961, MedGen C3806688, MONDO:0010478, OMIM 300896.

Allele frequency attached by ClinVar (database versions not stated): ExAC 0.00004; gnomAD exomes 0.00004 and 0.00014; gnomAD 0.00005 and 0.00006; TOPMed 0.00005.
gnomAD v4.1: 152 of 1,183,627 alleles (0.013%); highest among the groups gnomAD compares: Non-Finnish European, 0.016%; no homozygotes.

Submissions (3):

Labcorp Genetics (formerly Invitae), Labcorp
Classification: Uncertain significance for SLC35A2-congenital disorder of glycosylation. Last evaluated: 2025-03-20. Review status: criteria provided, single submitter. Criteria: Invitae Variant Classification Sherloc (09022015). Collection method: clinical testing. Allele origin: germline.
Comment: This sequence change replaces glycine, which is neutral and non-polar, with glutamic acid, which is acidic and polar, at codon 189 of the SLC35A2 protein (p.Gly189Glu). This variant is present in population databases (rs782745496, gnomAD 0.008%), including at least one homozygous and/or hemizygous individual. This variant has not been reported in the literature in individuals affected with SLC35A2-related conditions. ClinVar contains an entry for this variant (Variation ID: 1051772). Invitae Evidence Modeling of protein sequence and biophysical properties (such as structural, functional, and spatial information, amino acid conservation, physicochemical variation, residue mobility, and thermodynamic stability) indicates that this missense variant is not expected to disrupt SLC35A2 protein function with a negative predictive value of 80%. Algorithms developed to predict the effect of sequence changes on RNA splicing suggest that this variant may create or strengthen a splice site. In summary, the available evidence is currently insufficient to determine the role of this variant in disease. Therefore, it has been classified as a Variant of Uncertain Significance.

CeGaT Center for Human Genetics Tuebingen
Classification: Uncertain significance. Last evaluated: 2023-03-01. Review status: criteria provided, single submitter. Criteria: CeGaT Center For Human Genetics Tuebingen Variant Classification Criteria Version 2. Collection method: clinical testing. Allele origin: germline. Affected: yes. Observed: 1 variant allele.

Fulgent Genetics
Classification: Uncertain significance for SLC35A2-congenital disorder of glycosylation. Last evaluated: 2021-08-11. Review status: criteria provided, single submitter. Criteria: ACMG Guidelines, 2015. Collection method: clinical testing. Allele origin: unknown.

NM_005660.3(SLC35A2):c.566G>A (p.Gly189Glu)

Gene: SLC35A2 (solute carrier family 35 member A2; minus strand). Cytogenetic location: Xp11.23.
Variant type: single nucleotide variant.
Coding change: c.566G>A on transcript NM_005660.3 (MANE Select); coding-DNA position 566, G replaced by A.
Protein change: p.Gly189Glu; replaces glycine 189 with glutamic acid.
Molecular consequence: missense variant. On other transcripts: intron variant (3).
Genome position (GRCh38, 1-based): chrX:48,905,343, C>T on the plus strand (G>A on the coding strand, the complement: SLC35A2 is on the minus strand). VCF-style: chrX-48905343-C-T. GRCh37 (hg19) VCF-style: chrX-48762620-C-T.
Other names: c.566G>A, p.Gly189Glu (NM_001042498.3); c.383G>A, p.Gly128Glu (NM_001282649.2); c.605G>A, p.Gly202Glu (NM_001282650.2); c.650G>A, p.Gly217Glu (NM_001282651.2); c.427-451G>A (NM_001282647.2, NM_001032289.3); c.355-451G>A (NM_001282648.2); short protein forms G128E, G189E, G202E, G217E.
Identifiers: ClinVar variation 1051772 (VCV001051772.37), dbSNP rs782745496, ClinGen allele CA10406115.